The following is an entry in ClinVar:

ClinVar aggregate classification (germline): Conflicting classifications of pathogenicity. Review status: criteria provided, conflicting classifications (1 of 4 stars). 7 submissions from 6 submitters: Uncertain significance (2); Likely benign (5). Last evaluated 2026-01-19.

Conditions:
Hereditary cancer-predisposing syndrome. Also called: Neoplastic Syndromes, Hereditary; Hereditary Cancer Syndrome; Tumor predisposition; Hereditary neoplastic syndrome. Identifiers: Orphanet 140162, MedGen C0027672, MeSH D009386, MONDO:0015356.
Cardiovascular phenotype. Identifiers: MedGen CN230736.
Neurofibromatosis, type 1 (NF1). Also called: Peripheral type neurofibromatosis; Neurofibromatosis, type I; VON RECKLINGHAUSEN DISEASE; NEUROFIBROMATOSIS, TYPE I, SOMATIC. Identifiers: Orphanet 636, MedGen C0027831, MONDO:0018975, OMIM 162200. Disease mechanism: loss of function.
Juvenile myelomonocytic leukemia (JMML). Also called: LEUKEMIA, JUVENILE MYELOMONOCYTIC, SOMATIC. Identifiers: Orphanet 86834, MedGen C0349639, MONDO:0011908, OMIM 607785, HP:0012209.
Neurofibromatosis-Noonan syndrome (NFNS). Also called: NEUROFIBROMATOSIS WITH NOONAN PHENOTYPE. Identifiers: Orphanet 638, MedGen C2931482, MONDO:0011035, OMIM 601321. Disease mechanism: loss of function.
Café-au-lait macules with pulmonary stenosis (WTSN). Also called: PULMONIC STENOSIS WITH CAFE-AU-LAIT SPOTS. Identifiers: MedGen C0553586, MONDO:0008672, OMIM 193520.
Neurofibromatosis, familial spinal (FSNF). Identifiers: Orphanet 636, MedGen C1834235, MONDO:0008078, OMIM 162210. Disease mechanism: loss of function.

gnomAD v4.1: 13 of 1,614,088 alleles (0.00081%); highest among the groups gnomAD compares: South Asian, 0.014%; no homozygotes.

Submissions (7):

Labcorp Genetics (formerly Invitae), Labcorp
Classification: Likely benign for Neurofibromatosis, type 1. Last evaluated: 2026-01-19. Review status: criteria provided, single submitter. Criteria: Invitae Variant Classification Sherloc (09022015). Collection method: clinical testing. Allele origin: germline.

Quest Diagnostics Nichols Institute San Juan Capistrano
Classification: Uncertain significance. Last evaluated: 2025-01-17. Review status: criteria provided, single submitter. Criteria: Quest Diagnostics criteria. Collection method: clinical testing. Allele origin: unknown.

Fulgent Genetics
Classification: Uncertain significance for Neurofibromatosis, type 1; Neurofibromatosis, familial spinal; Café-au-lait macules with pulmonary stenosis; Neurofibromatosis-Noonan syndrome; Juvenile myelomonocytic leukemia. Last evaluated: 2023-12-27. Review status: criteria provided, single submitter. Criteria: ACMG Guidelines, 2015. Collection method: clinical testing. Allele origin: germline.

Blueprint Genetics
Classification: Likely benign. Last evaluated: 2023-05-10. Review status: criteria provided, single submitter. Criteria: ACMG Guidelines, 2015. Collection method: clinical testing. Allele origin: germline.

Sema4
Classification: Likely benign for Hereditary cancer-predisposing syndrome. Last evaluated: 2021-02-17. Review status: criteria provided, single submitter. Criteria: Sema4 Curation Guidelines. Collection method: curation. Allele origin: germline.

Ambry Genetics
Classification: Likely benign for Cardiovascular phenotype; Hereditary cancer-predisposing syndrome. Last evaluated: 2019-04-18. Review status: criteria provided, single submitter. Criteria: Ambry Variant Classification Scheme 2023. Collection method: clinical testing. Allele origin: germline.

Ambry Genetics
Classification: Likely benign for Hereditary cancer-predisposing syndrome. Last evaluated: 2015-07-20. Review status: criteria provided, single submitter. Criteria: Ambry Autosomal Dominant and X-Linked criteria (10/2015). Collection method: clinical testing. Allele origin: germline. Observed: 1 variant allele.
Comment: Co-occurence with mutation in same gene (phase unknown);In silico models in agreement (benign)

NM_001042492.3(NF1):c.8324A>C (p.Asn2775Thr)

Gene: NF1 (neurofibromin 1; plus strand). Cytogenetic location: 17q11.2.
Variant type: single nucleotide variant.
Coding change: c.8324A>C on transcript NM_001042492.3 (MANE Select); coding-DNA position 8324, A replaced by C.
Protein change: p.Asn2775Thr; replaces asparagine 2775 with threonine.
Molecular consequence: missense variant.
Genome position (GRCh38, 1-based): chr17:31,360,650, A>C. VCF-style: chr17-31360650-A-C. GRCh37 (hg19) VCF-style: chr17-29687668-A-C.
Other names: c.8261A>C, p.Asn2754Thr (NM_000267.4); short protein forms N2754T, N2775T.
Identifiers: ClinVar variation 233062 (VCV000233062.15), dbSNP rs772090874, ClinGen allele CA8487789.